The following is an entry in ClinVar:

NM_001792.5(CDH2):c.2603G>A (p.Gly868Glu)

Genes: CDH2 (cadherin 2; minus strand), CDH2-AS1 (CDH2 antisense RNA 1; plus strand). Cytogenetic location: 18q12.1.
Variant type: single nucleotide variant.
Coding change: c.2603G>A on transcript NM_001792.5 (MANE Select); coding-DNA position 2603, G replaced by A.
Protein change: p.Gly868Glu; replaces glycine 868 with glutamic acid.
Molecular consequence: missense variant.
Genome position (GRCh38, 1-based): chr18:27,952,271, C>T on the plus strand (G>A on the coding strand, the complement: CDH2 is on the minus strand). VCF-style: chr18-27952271-C-T. GRCh37 (hg19) VCF-style: chr18-25532235-C-T.
Other names: c.2510G>A, p.Gly837Glu (NM_001308176.2); c.2603G>A (NM_001792.4, NM_001792.3); short protein forms G837E, G868E.
Identifiers: ClinVar variation 1920148 (VCV001920148.8), dbSNP rs1909497237, ClinGen allele CA402101309.
Genomic context (GRCh38, chr18:27,952,271, plus strand): 5'-TTCAGGTAATCATAGTCCTGCTCACCACCACTACTTGAGGAATTAAGGGAGCTCAAGGAC[C>T]CAGCAGTGGAGCCACTGCCTTCATAGTCAAACACTAACAGGGAGTCATATGGTGGAGCTG-3'
Protein context (NP_001783.2, residues 858-878): FDYEGSGSTA[Gly868Glu]SLSSLNSSSS

ClinVar aggregate classification (germline): Conflicting classifications of pathogenicity. Review status: criteria provided, conflicting classifications (1 of 4 stars). 3 submissions from 3 submitters: Uncertain significance (2); Likely benign (1). Last evaluated 2023-07-17.

Conditions:
Inborn genetic diseases. Identifiers: MedGen C0950123, MeSH D030342.

Allele frequency attached by ClinVar (database versions not stated): TOPMed below 0.00001.

Submissions (3):

Ambry Genetics
Classification: Uncertain significance for Inborn genetic diseases. Last evaluated: 2023-07-17. Review status: criteria provided, single submitter. Criteria: Ambry Variant Classification Scheme 2023. Collection method: clinical testing. Allele origin: germline.
Comment: The p.G868E variant (also known as c.2603G>A), located in coding exon 16 of the CDH2 gene, results from a G to A substitution at nucleotide position 2603. The glycine at codon 868 is replaced by glutamic acid, an amino acid with similar properties. This amino acid position is conserved. In addition, this alteration is predicted to be deleterious by in silico analysis. Since supporting evidence is limited at this time, the clinical significance of this alteration remains unclear.

Labcorp Genetics (formerly Invitae), Labcorp
Classification: Likely benign. Last evaluated: 2023-01-04. Review status: criteria provided, single submitter. Criteria: Invitae Variant Classification Sherloc (09022015). Collection method: clinical testing. Allele origin: germline.

GeneDx
Classification: Uncertain significance. Last evaluated: 2022-12-19. Review status: criteria provided, single submitter. Criteria: GeneDx Variant Classification Process June 2021. Collection method: clinical testing. Allele origin: germline. Affected: yes.
Comment: Not observed at significant frequency in large population cohorts (gnomAD); In silico analysis supports that this missense variant has a deleterious effect on protein structure/function; Has not been previously published as pathogenic or benign to our knowledge